The following is an entry in ClinVar:

NM_025152.3(NUBPL):c.210A>G (p.Ile70Met)

Gene: NUBPL (NUBP iron-sulfur cluster assembly factor, mitochondrial; plus strand). Cytogenetic location: 14q12.
Variant type: single nucleotide variant.
Coding change: c.210A>G on transcript NM_025152.3 (MANE Select); coding-DNA position 210, A replaced by G.
Protein change: p.Ile70Met; replaces isoleucine 70 with methionine.
Molecular consequence: missense variant. On other transcripts: non-coding transcript variant (1).
Genome position (GRCh38, 1-based): chr14:31,562,169, A>G. VCF-style: chr14-31562169-A-G. GRCh37 (hg19) VCF-style: chr14-32031375-A-G.
Other names: short protein forms I70M.
Identifiers: ClinVar variation 2013785 (VCV002013785.4), dbSNP rs2502349077, ClinGen allele CA389481914.

ClinVar aggregate classification (germline): Uncertain significance (1 of 4 stars; one submission).

Allele frequency attached by ClinVar (database versions not stated): gnomAD exomes below 0.00001.
gnomAD v4.1: 1 of 1,614,128 alleles (0.000062%); highest among the groups gnomAD compares: Non-Finnish European, 0.000085%; no homozygotes.

Submission:

Labcorp Genetics (formerly Invitae), Labcorp
Classification: Uncertain significance. Last evaluated: 2022-07-07. Review status: criteria provided, single submitter. Criteria: Invitae Variant Classification Sherloc (09022015). Collection method: clinical testing. Allele origin: germline.
Comment: This sequence change replaces isoleucine, which is neutral and non-polar, with methionine, which is neutral and non-polar, at codon 70 of the NUBPL protein (p.Ile70Met). This variant is not present in population databases (gnomAD no frequency). This variant has not been reported in the literature in individuals affected with NUBPL-related conditions. Algorithms developed to predict the effect of missense changes on protein structure and function are either unavailable or do not agree on the potential impact of this missense change (SIFT: "Deleterious"; PolyPhen-2: "Possibly Damaging"; Align-GVGD: "Class C0"). In summary, the available evidence is currently insufficient to determine the role of this variant in disease. Therefore, it has been classified as a Variant of Uncertain Significance.